The following is an entry in ClinVar:

NM_002658.6(PLAU):c.691A>C (p.Lys231Gln)

Genes: C10orf55 (chromosome 10 putative open reading frame 55; minus strand), PLAU (plasminogen activator, urokinase; plus strand), LOC126860960 (BRD4-independent group 4 enhancer GRCh37_chr10:75672789-75673988; plus strand). Cytogenetic location: 10q22.2.
Variant type: single nucleotide variant.
Coding change: c.691A>C on transcript NM_002658.6 (MANE Select); coding-DNA position 691, A replaced by C.
Protein change: p.Lys231Gln; replaces lysine 231 with glutamine.
Molecular consequence: missense variant.
Genome position (GRCh38, 1-based): chr10:73,913,990, A>C. VCF-style: chr10-73913990-A-C. GRCh37 (hg19) VCF-style: chr10-75673748-A-C.
Other names: NC_000010.10:g.75673748A>C; p.Lys231Gln; c.640A>C, p.Lys214Gln (NM_001145031.3); c.433A>C, p.Lys145Gln (NM_001319191.2); c.691A>C (NM_002658.5); short protein forms K214Q, K231Q, K145Q.
Identifiers: ClinVar variation 300753 (VCV000300753.8), dbSNP rs2227567, ClinGen allele CA5562510.

ClinVar aggregate classification (germline): Benign. Review status: criteria provided, multiple submitters, no conflicts (2 of 4 stars). 3 submissions from 3 submitters: Benign (3). Last evaluated 2023-07-09.

Conditions:
Quebec platelet disorder (QPD). Also called: FACTOR V QUEBEC; BLEEDING DISORDER, PLATELET-TYPE, 5. Identifiers: Orphanet 220436, MedGen C1866423, MONDO:0011136, OMIM 601709.

Allele frequency attached by ClinVar (database versions not stated): ExAC 0.01824; gnomAD 0.04563 and 0.04766; ESP Exome Variant Server 0.05105; TOPMed 0.05163; 1000 Genomes Project 0.05691; 1000 Genomes Project 30x 0.06199.
gnomAD v4.1: 15,783 of 1,613,688 alleles (0.98%); highest among the groups gnomAD compares: African/African-American, 15%; 1,010 homozygotes.

Submissions (40):

Mayo Clinic Laboratories, Mayo Clinic
Classification: Benign. Last evaluated: 2023-07-09. Review status: criteria provided, single submitter. Criteria: ACMG Guidelines, 2015. Collection method: clinical testing. Allele origin: germline. Observed: 66 variant alleles.

Illumina Laboratory Services, Illumina
Classification: Benign for Quebec platelet disorder. Last evaluated: 2018-01-13. Review status: criteria provided, single submitter. Criteria: ICSL Variant Classification Criteria 13 December 2019. Collection method: clinical testing. Allele origin: germline.
Comment: This variant was observed in the ICSL laboratory as part of a predisposition screen in an ostensibly healthy population. It had not been previously curated by ICSL or reported in the Human Gene Mutation Database (HGMD: prior to June 1st, 2018), and was therefore a candidate for classification through an automated scoring system. Utilizing variant allele frequency, disease prevalence and penetrance estimates, and inheritance mode, an automated score was calculated to assess if this variant is too frequent to cause the disease. Based on the score and internal cut-off values, a variant classified as benign is not then subjected to further curation. The score for this variant resulted in a classification of benign for this disease.

Breakthrough Genomics
Classification: Benign. Review status: criteria provided, single submitter. Criteria: ACMG Guidelines, 2015. Collection method: not provided. Allele origin: germline. Inheritance: Autosomal dominant inheritance. Affected: yes.

Dr. Peter K. Rogan Lab, Western University
No classification provided (evidence only). Condition: Lung cancer. Review status: no classification provided. Collection method: in vitro. Allele origin: not applicable. Functional consequence: retained intron. Not counted in ClinVar's aggregate classification.

Dr. Peter K. Rogan Lab, Western University
No classification provided (evidence only). Condition: Lung cancer. Review status: no classification provided. Collection method: in vitro. Allele origin: not applicable. Functional consequence: retained intron. Not counted in ClinVar's aggregate classification.

Dr. Peter K. Rogan Lab, Western University
No classification provided (evidence only). Condition: Lung cancer. Review status: no classification provided. Collection method: in vitro. Allele origin: not applicable. Functional consequence: retained intron. Not counted in ClinVar's aggregate classification.

Dr. Peter K. Rogan Lab, Western University
No classification provided (evidence only). Condition: Lung cancer. Review status: no classification provided. Collection method: in vitro. Allele origin: not applicable. Functional consequence: retained intron. Not counted in ClinVar's aggregate classification.

Dr. Peter K. Rogan Lab, Western University
No classification provided (evidence only). Condition: Lung cancer. Review status: no classification provided. Collection method: in vitro. Allele origin: not applicable. Functional consequence: retained intron. Not counted in ClinVar's aggregate classification.

Dr. Peter K. Rogan Lab, Western University
No classification provided (evidence only). Condition: Lung cancer. Review status: no classification provided. Collection method: in vitro. Allele origin: not applicable. Functional consequence: retained intron. Not counted in ClinVar's aggregate classification.

Dr. Peter K. Rogan Lab, Western University
No classification provided (evidence only). Condition: Acute myeloid leukemia. Review status: no classification provided. Collection method: in vitro. Allele origin: not applicable. Functional consequence: retained intron. Not counted in ClinVar's aggregate classification.

Dr. Peter K. Rogan Lab, Western University
No classification provided (evidence only). Condition: Acute myeloid leukemia. Review status: no classification provided. Collection method: in vitro. Allele origin: not applicable. Functional consequence: retained intron. Not counted in ClinVar's aggregate classification.

Dr. Peter K. Rogan Lab, Western University
No classification provided (evidence only). Condition: Acute myeloid leukemia. Review status: no classification provided. Collection method: in vitro. Allele origin: not applicable. Functional consequence: retained intron. Not counted in ClinVar's aggregate classification.

Dr. Peter K. Rogan Lab, Western University
No classification provided (evidence only). Condition: Acute myeloid leukemia. Review status: no classification provided. Collection method: in vitro. Allele origin: not applicable. Functional consequence: retained intron. Not counted in ClinVar's aggregate classification.

Dr. Peter K. Rogan Lab, Western University
No classification provided (evidence only). Condition: Acute myeloid leukemia. Review status: no classification provided. Collection method: in vitro. Allele origin: not applicable. Functional consequence: retained intron. Not counted in ClinVar's aggregate classification.

Dr. Peter K. Rogan Lab, Western University
No classification provided (evidence only). Condition: Colon adenocarcinoma. Review status: no classification provided. Collection method: in vitro. Allele origin: not applicable. Functional consequence: retained intron. Not counted in ClinVar's aggregate classification.

Dr. Peter K. Rogan Lab, Western University
No classification provided (evidence only). Condition: Colon adenocarcinoma. Review status: no classification provided. Collection method: in vitro. Allele origin: not applicable. Functional consequence: retained intron. Not counted in ClinVar's aggregate classification.

Dr. Peter K. Rogan Lab, Western University
No classification provided (evidence only). Condition: Colon adenocarcinoma. Review status: no classification provided. Collection method: in vitro. Allele origin: not applicable. Functional consequence: retained intron. Not counted in ClinVar's aggregate classification.

Dr. Peter K. Rogan Lab, Western University
No classification provided (evidence only). Condition: Colorectal cancer. Review status: no classification provided. Collection method: in vitro. Allele origin: not applicable. Functional consequence: retained intron. Not counted in ClinVar's aggregate classification.

Dr. Peter K. Rogan Lab, Western University
No classification provided (evidence only). Condition: Thyroid cancer, nonmedullary, 1. Review status: no classification provided. Collection method: in vitro. Allele origin: not applicable. Functional consequence: retained intron. Not counted in ClinVar's aggregate classification.

Dr. Peter K. Rogan Lab, Western University
No classification provided (evidence only). Condition: Thyroid cancer, nonmedullary, 1. Review status: no classification provided. Collection method: in vitro. Allele origin: not applicable. Functional consequence: retained intron. Not counted in ClinVar's aggregate classification.

Dr. Peter K. Rogan Lab, Western University
No classification provided (evidence only). Condition: Thyroid cancer, nonmedullary, 1. Review status: no classification provided. Collection method: in vitro. Allele origin: not applicable. Functional consequence: retained intron. Not counted in ClinVar's aggregate classification.

Dr. Peter K. Rogan Lab, Western University
No classification provided (evidence only). Condition: Cervical cancer. Review status: no classification provided. Collection method: in vitro. Allele origin: not applicable. Functional consequence: retained intron. Not counted in ClinVar's aggregate classification.

Dr. Peter K. Rogan Lab, Western University
No classification provided (evidence only). Condition: Cervical cancer. Review status: no classification provided. Collection method: in vitro. Allele origin: not applicable. Functional consequence: retained intron. Not counted in ClinVar's aggregate classification.

Dr. Peter K. Rogan Lab, Western University
No classification provided (evidence only). Condition: Cervical cancer. Review status: no classification provided. Collection method: in vitro. Allele origin: not applicable. Functional consequence: retained intron. Not counted in ClinVar's aggregate classification.

Dr. Peter K. Rogan Lab, Western University
No classification provided (evidence only). Condition: Cervical cancer. Review status: no classification provided. Collection method: in vitro. Allele origin: not applicable. Functional consequence: retained intron. Not counted in ClinVar's aggregate classification.

Dr. Peter K. Rogan Lab, Western University
No classification provided (evidence only). Condition: Cervical cancer. Review status: no classification provided. Collection method: in vitro. Allele origin: not applicable. Functional consequence: retained intron. Not counted in ClinVar's aggregate classification.

Dr. Peter K. Rogan Lab, Western University
No classification provided (evidence only). Condition: Cervical cancer. Review status: no classification provided. Collection method: in vitro. Allele origin: not applicable. Functional consequence: retained intron. Not counted in ClinVar's aggregate classification.

Dr. Peter K. Rogan Lab, Western University
No classification provided (evidence only). Condition: Cervical cancer. Review status: no classification provided. Collection method: in vitro. Allele origin: not applicable. Functional consequence: retained intron. Not counted in ClinVar's aggregate classification.

Dr. Peter K. Rogan Lab, Western University
No classification provided (evidence only). Condition: Sarcoma. Review status: no classification provided. Collection method: in vitro. Allele origin: not applicable. Functional consequence: retained intron. Not counted in ClinVar's aggregate classification.

Dr. Peter K. Rogan Lab, Western University
No classification provided (evidence only). Condition: Sarcoma. Review status: no classification provided. Collection method: in vitro. Allele origin: not applicable. Functional consequence: retained intron. Not counted in ClinVar's aggregate classification.

Dr. Peter K. Rogan Lab, Western University
No classification provided (evidence only). Condition: Sarcoma. Review status: no classification provided. Collection method: in vitro. Allele origin: not applicable. Functional consequence: retained intron. Not counted in ClinVar's aggregate classification.

Dr. Peter K. Rogan Lab, Western University
No classification provided (evidence only). Condition: Sarcoma. Review status: no classification provided. Collection method: in vitro. Allele origin: not applicable. Functional consequence: retained intron. Not counted in ClinVar's aggregate classification.

Dr. Peter K. Rogan Lab, Western University
No classification provided (evidence only). Condition: Gastric cancer. Review status: no classification provided. Collection method: in vitro. Allele origin: not applicable. Functional consequence: retained intron. Not counted in ClinVar's aggregate classification.

Dr. Peter K. Rogan Lab, Western University
No classification provided (evidence only). Condition: Gastric cancer. Review status: no classification provided. Collection method: in vitro. Allele origin: not applicable. Functional consequence: retained intron. Not counted in ClinVar's aggregate classification.

Dr. Peter K. Rogan Lab, Western University
No classification provided (evidence only). Condition: Gastric cancer. Review status: no classification provided. Collection method: in vitro. Allele origin: not applicable. Functional consequence: retained intron. Not counted in ClinVar's aggregate classification.

Dr. Peter K. Rogan Lab, Western University
No classification provided (evidence only). Condition: Gastric cancer. Review status: no classification provided. Collection method: in vitro. Allele origin: not applicable. Functional consequence: retained intron. Not counted in ClinVar's aggregate classification.

Dr. Peter K. Rogan Lab, Western University
No classification provided (evidence only). Condition: Uterine carcinosarcoma. Review status: no classification provided. Collection method: in vitro. Allele origin: not applicable. Functional consequence: retained intron. Not counted in ClinVar's aggregate classification.

Dr. Peter K. Rogan Lab, Western University
No classification provided (evidence only). Condition: Uterine carcinosarcoma. Review status: no classification provided. Collection method: in vitro. Allele origin: not applicable. Functional consequence: retained intron. Not counted in ClinVar's aggregate classification.

Dr. Peter K. Rogan Lab, Western University
No classification provided (evidence only). Condition: Uterine carcinosarcoma. Review status: no classification provided. Collection method: in vitro. Allele origin: not applicable. Functional consequence: retained intron. Not counted in ClinVar's aggregate classification.

Dr. Peter K. Rogan Lab, Western University
No classification provided (evidence only). Condition: Malignant tumor of esophagus. Review status: no classification provided. Collection method: in vitro. Allele origin: not applicable. Functional consequence: retained intron. Not counted in ClinVar's aggregate classification.